The following is an entry in ClinVar:

NM_004985.5(KRAS):c.250A>G (p.Ile84Val)

Gene: KRAS (KRAS proto-oncogene, GTPase; minus strand). Cytogenetic location: 12p12.1.
Variant type: single nucleotide variant.
Coding change: c.250A>G on transcript NM_004985.5 (MANE Select); coding-DNA position 250, A replaced by G.
Protein change: p.Ile84Val; replaces isoleucine 84 with valine.
Molecular consequence: missense variant.
Genome position (GRCh38, 1-based): chr12:25,227,274, T>C on the plus strand (A>G on the coding strand, the complement: KRAS is on the minus strand). VCF-style: chr12-25227274-T-C. GRCh37 (hg19) VCF-style: chr12-25380208-T-C.
Other names: c.250A>G, p.Ile84Val (NM_001369786.1, NM_001369787.1, NM_033360.4); short protein forms I84V.
Identifiers: ClinVar variation 1318518 (VCV001318518.8), dbSNP rs2141509513, ClinGen allele CA384151829.

ClinVar aggregate classification (germline): Uncertain significance. Review status: criteria provided, multiple submitters, no conflicts (2 of 4 stars). 2 submissions from 2 submitters: Uncertain significance (2). Last evaluated 2022-06-07.

Conditions:
RASopathy. Also called: Noonan spectrum disorder; rasopathies. Identifiers: Orphanet 536391, MedGen C5555857, MONDO:0021060.

Allele frequency attached by ClinVar (database versions not stated): gnomAD exomes below 0.00001.
gnomAD v4.1: 1 of 1,613,834 alleles (0.000062%); highest among the groups gnomAD compares: South Asian, 0.0011%; no homozygotes.

Submissions (2):

GeneDx
Classification: Uncertain significance. Last evaluated: 2022-06-07. Review status: criteria provided, single submitter. Criteria: GeneDx Variant Classification Process June 2021. Collection method: clinical testing. Allele origin: germline. Affected: yes.
Comment: Not observed in large population cohorts (gnomAD); The majority of missense variants in this gene are considered pathogenic (HGMD); In silico analysis supports that this missense variant does not alter protein structure/function; Has not been previously published as pathogenic or benign to our knowledge

Labcorp Genetics (formerly Invitae), Labcorp
Classification: Uncertain significance for RASopathy. Last evaluated: 2022-04-24. Review status: criteria provided, single submitter. Criteria: Invitae Variant Classification Sherloc (09022015). Collection method: clinical testing. Allele origin: germline.
Comment: ClinVar contains an entry for this variant (Variation ID: 1318518). In summary, the available evidence is currently insufficient to determine the role of this variant in disease. Therefore, it has been classified as a Variant of Uncertain Significance. Advanced modeling of protein sequence and biophysical properties (such as structural, functional, and spatial information, amino acid conservation, physicochemical variation, residue mobility, and thermodynamic stability) performed at Invitae indicates that this missense variant is not expected to disrupt KRAS protein function. This sequence change replaces isoleucine, which is neutral and non-polar, with valine, which is neutral and non-polar, at codon 84 of the KRAS protein (p.Ile84Val). This variant has not been reported in the literature in individuals affected with KRAS-related conditions. This variant is not present in population databases (gnomAD no frequency).